The following is an entry in ClinVar:

ClinVar aggregate classification (germline): Pathogenic (1 of 4 stars; one submission).

Conditions:
Mitochondrial complex I deficiency, nuclear type 1. Also called: NADH-COENZYME Q REDUCTASE DEFICIENCY; MITOCHONDRIAL NADH DEHYDROGENASE COMPONENT OF COMPLEX I, DEFICIENCY OF. Identifiers: MedGen C6022305, MONDO:0100224, OMIM 252010.

Submission:

Myriad Genetics, Inc.
Classification: Pathogenic for Mitochondrial complex I deficiency, nuclear type 1. Last evaluated: 2024-11-16. Review status: criteria provided, single submitter. Criteria: Myriad Autosomal Dominant, Autosomal Recessive and X-Linked Classification Criteria (2023). Collection method: clinical testing. Allele origin: unknown.
Comment: NM_002495.2(NDUFS4):c.158dupT(T54Nfs*3) is expected to be pathogenic in the context of mitochondrial complex I deficiency, NDUFS4-related. This variant is predicted to lead to an abnormal or absent protein product due to the creation of a premature termination codon in NDUFS4, a gene where loss-of-function variants are known to be pathogenic. Please note: this variant was assessed in the context of healthy population screening.

NM_002495.4(NDUFS4):c.158dup (p.Thr54fs)

Gene: NDUFS4 (NADH:ubiquinone oxidoreductase subunit S4; plus strand). Cytogenetic location: 5q11.2.
Variant type: Duplication.
Coding change: c.158dup on transcript NM_002495.4 (MANE Select); coding-DNA position 158, one base duplicated (T; older notation c.158dupT).
Protein change: p.Thr54fs; shifts the reading frame from threonine 54.
Molecular consequence: frameshift variant. On other transcripts: non-coding transcript variant (3).
Genome position (GRCh38, 1-based): chr5:53,603,511, T duplicated. VCF-style (leftmost placement, unchanged base first): chr5-53603510-A-AT. GRCh37 (hg19) VCF-style: chr5-52899340-A-AT.
Other names: c.158dup, p.Thr54fs (NM_001318051.2); short protein forms T54fs.
Identifiers: ClinVar variation 5013759 (VCV005013759.1).